The following is an entry in ClinVar:

NM_000352.6(ABCC8):c.3283A>T (p.Arg1095Ter)

Gene: ABCC8 (ATP binding cassette subfamily C member 8; minus strand). Cytogenetic location: 11p15.1.
Variant type: single nucleotide variant.
Coding change: c.3283A>T on transcript NM_000352.6 (MANE Select); coding-DNA position 3283, A replaced by T.
Protein change: p.Arg1095Ter; replaces arginine 1095 with a stop codon.
Molecular consequence: nonsense. On other transcripts: non-coding transcript variant (1).
Genome position (GRCh38, 1-based): chr11:17,406,668, T>A on the plus strand (A>T on the coding strand, the complement: ABCC8 is on the minus strand). VCF-style: chr11-17406668-T-A. GRCh37 (hg19) VCF-style: chr11-17428215-T-A.
Other names: c.3286A>T, p.Arg1096Ter (NM_001287174.3); c.3349A>T, p.Arg1117Ter (NM_001351295.2); c.3283A>T, p.Arg1095Ter (NM_001351296.2); c.3280A>T, p.Arg1094Ter (NM_001351297.2); short protein forms R1117*, R1095*, R1094*, R1096*.
Identifiers: ClinVar variation 2832640 (VCV002832640.3), dbSNP rs2496527104, ClinGen allele CA379801473.

ClinVar aggregate classification (germline): Pathogenic (1 of 4 stars; one submission).

Submission:

Labcorp Genetics (formerly Invitae), Labcorp
Classification: Pathogenic. Last evaluated: 2023-01-28. Review status: criteria provided, single submitter. Criteria: Invitae Variant Classification Sherloc (09022015). Collection method: clinical testing. Allele origin: germline.
Comment: This sequence change creates a premature translational stop signal (p.Arg1095*) in the ABCC8 gene. It is expected to result in an absent or disrupted protein product. Loss-of-function variants in ABCC8 are known to be pathogenic (PMID: 20685672, 23345197). This variant is not present in population databases (gnomAD no frequency). This variant has not been reported in the literature in individuals affected with ABCC8-related conditions. For these reasons, this variant has been classified as Pathogenic.

Literature cited by the submitters: PubMed 20685672; PubMed 23345197.